The following is an entry in ClinVar:

ClinVar aggregate classification (germline): Uncertain significance (1 of 4 stars; one submission).

Conditions:
Dilated cardiomyopathy 1DD (CMD1DD). Identifiers: Orphanet 154, MedGen C2750995, MONDO:0013168, OMIM 613172.

gnomAD v4.1: 5 of 1,551,708 alleles (0.00032%); highest among the groups gnomAD compares: Non-Finnish European, 0.00035%; no homozygotes.

Submission:

Labcorp Genetics (formerly Invitae), Labcorp
Classification: Uncertain significance for Dilated cardiomyopathy 1DD. Last evaluated: 2025-03-04. Review status: criteria provided, single submitter. Criteria: Invitae Variant Classification Sherloc (09022015). Collection method: clinical testing. Allele origin: germline.
Comment: This sequence change replaces serine, which is neutral and polar, with phenylalanine, which is neutral and non-polar, at codon 748 of the RBM20 protein (p.Ser748Phe). This variant is not present in population databases (gnomAD no frequency). This variant has not been reported in the literature in individuals affected with RBM20-related conditions. Invitae Evidence Modeling of protein sequence and biophysical properties (such as structural, functional, and spatial information, amino acid conservation, physicochemical variation, residue mobility, and thermodynamic stability) indicates that this missense variant is not expected to disrupt RBM20 protein function with a negative predictive value of 95%. In summary, the available evidence is currently insufficient to determine the role of this variant in disease. Therefore, it has been classified as a Variant of Uncertain Significance.

NM_001134363.3(RBM20):c.2243C>T (p.Ser748Phe)

Gene: RBM20 (RNA binding motif protein 20; plus strand). Cytogenetic location: 10q25.2.
Variant type: single nucleotide variant.
Coding change: c.2243C>T on transcript NM_001134363.3 (MANE Select); coding-DNA position 2243, C replaced by T.
Protein change: p.Ser748Phe; replaces serine 748 with phenylalanine.
Molecular consequence: missense variant.
Genome position (GRCh38, 1-based): chr10:110,812,640, C>T. VCF-style: chr10-110812640-C-T. GRCh37 (hg19) VCF-style: chr10-112572398-C-T.
Other names: short protein forms S748F.
Identifiers: ClinVar variation 4802657 (VCV004802657.1).
Genomic context (GRCh38, chr10:110,812,640, plus strand): 5'-AAGGAGGGAGGCCCCACCGGGAGAAGTACCCGAGATCTGGGTCTCCCAACCTGCCCCACT[C>T]TGTGTCCAGCTACAAAAGCCGTGAAGACGGCTACTACCGGAAAGAGCCCAAAGCCAAGTC-3'
Protein context (NP_001127835.2, residues 738-758): PRSGSPNLPH[Ser748Phe]VSSYKSREDG